The following is an entry in ClinVar:

NM_018671.5(UNC45A):c.247A>C (p.Lys83Gln)

Gene: UNC45A (unc-45 myosin chaperone A; plus strand). Cytogenetic location: 15q26.1.
Variant type: single nucleotide variant.
Coding change: c.247A>C on transcript NM_018671.5 (MANE Select); coding-DNA position 247, A replaced by C.
Protein change: p.Lys83Gln; replaces lysine 83 with glutamine.
Molecular consequence: missense variant. On other transcripts: 5 prime UTR variant (1).
Genome position (GRCh38, 1-based): chr15:90,935,979, A>C. VCF-style: chr15-90935979-A-C. GRCh37 (hg19) VCF-style: chr15-91479209-A-C.
Other names: c.202A>C, p.Lys68Gln (NM_001039675.2, NM_001323621.2); c.247A>C, p.Lys83Gln (NM_001323619.1); c.-337A>C (NM_001323620.2); short protein forms K68Q, K83Q.
Identifiers: ClinVar variation 1466957 (VCV001466957.8), dbSNP rs2151354237, ClinGen allele CA393890423.

ClinVar aggregate classification (germline): Uncertain significance (1 of 4 stars; one submission).

Submission:

Labcorp Genetics (formerly Invitae), Labcorp
Classification: Uncertain significance. Last evaluated: 2022-02-05. Review status: criteria provided, single submitter. Criteria: Invitae Variant Classification Sherloc (09022015). Collection method: clinical testing. Allele origin: germline.
Comment: In summary, the available evidence is currently insufficient to determine the role of this variant in disease. Therefore, it has been classified as a Variant of Uncertain Significance. Algorithms developed to predict the effect of missense changes on protein structure and function are either unavailable or do not agree on the potential impact of this missense change (SIFT: "Not Available"; PolyPhen-2: "Benign"; Align-GVGD: "Not Available"). This variant has not been reported in the literature in individuals affected with UNC45A-related conditions. This variant is not present in population databases (gnomAD no frequency). This sequence change replaces lysine, which is basic and polar, with glutamine, which is neutral and polar, at codon 83 of the UNC45A protein (p.Lys83Gln).